The following is an entry in ClinVar:

ClinVar aggregate classification (germline): Uncertain significance (1 of 4 stars; one submission).

Conditions:
Hereditary spastic paraplegia 49 (HSAN9). Also called: Spastic paraplegia 49, autosomal recessive; TECPR2-Related Hereditary Sensory and Autonomic Neuropathy with Intellectual Disability; NEUROPATHY, HEREDITARY SENSORY AND AUTONOMIC, TYPE IX, WITH DEVELOPMENTAL DELAY. Identifiers: Orphanet 320385, MedGen C5190860, MONDO:0014016, OMIM 615031.

Allele frequency attached by ClinVar (database versions not stated): gnomAD exomes below 0.00001; ExAC 0.00002; TOPMed 0.00009; gnomAD 0.00011; ESP Exome Variant Server 0.00015.
gnomAD v4.1: 25 of 1,613,792 alleles (0.0015%); highest among the groups gnomAD compares: African/African-American, 0.029%; no homozygotes.

Submission:

Labcorp Genetics (formerly Invitae), Labcorp
Classification: Uncertain significance for Hereditary spastic paraplegia 49. Last evaluated: 2022-03-13. Review status: criteria provided, single submitter. Criteria: Invitae Variant Classification Sherloc (09022015). Collection method: clinical testing. Allele origin: germline.
Comment: This sequence change replaces proline, which is neutral and non-polar, with serine, which is neutral and polar, at codon 985 of the TECPR2 protein (p.Pro985Ser). This variant is present in population databases (rs374430400, gnomAD 0.03%). This variant has not been reported in the literature in individuals affected with TECPR2-related conditions. Algorithms developed to predict the effect of missense changes on protein structure and function are either unavailable or do not agree on the potential impact of this missense change (SIFT: "Deleterious"; PolyPhen-2: "Benign"; Align-GVGD: "Class C0"). In summary, the available evidence is currently insufficient to determine the role of this variant in disease. Therefore, it has been classified as a Variant of Uncertain Significance.

NM_014844.5(TECPR2):c.2953C>T (p.Pro985Ser)

Gene: TECPR2 (tectonin beta-propeller repeat containing 2; plus strand). Cytogenetic location: 14q32.31.
Variant type: single nucleotide variant.
Coding change: c.2953C>T on transcript NM_014844.5 (MANE Select); coding-DNA position 2953, C replaced by T.
Protein change: p.Pro985Ser; replaces proline 985 with serine.
Molecular consequence: missense variant.
Genome position (GRCh38, 1-based): chr14:102,445,825, C>T. VCF-style: chr14-102445825-C-T. GRCh37 (hg19) VCF-style: chr14-102912162-C-T.
Other names: c.2953C>T, p.Pro985Ser (NM_001172631.3); short protein forms P985S.
Identifiers: ClinVar variation 2139594 (VCV002139594.1), dbSNP rs374430400, ClinGen allele CA7358104.